The following is an entry in ClinVar:

NM_152424.4(AMER1):c.412G>A (p.Glu138Lys)

Gene: AMER1 (APC membrane recruitment protein 1; minus strand). Cytogenetic location: Xq11.2.
Variant type: single nucleotide variant.
Coding change: c.412G>A on transcript NM_152424.4 (MANE Select); coding-DNA position 412, G replaced by A.
Protein change: p.Glu138Lys; replaces glutamic acid 138 with lysine.
Molecular consequence: missense variant.
Genome position (GRCh38, 1-based): chrX:64,192,875, C>T on the plus strand (G>A on the coding strand, the complement: AMER1 is on the minus strand). VCF-style: chrX-64192875-C-T. GRCh37 (hg19) VCF-style: chrX-63412755-C-T.
Other names: short protein forms E138K.
Identifiers: ClinVar variation 2104498 (VCV002104498.4), dbSNP rs1014125936, ClinGen allele CA329958014.

ClinVar aggregate classification (germline): Uncertain significance (1 of 4 stars; one submission).

Allele frequency attached by ClinVar (database versions not stated): gnomAD exomes 0.00001.

Submission:

Labcorp Genetics (formerly Invitae), Labcorp
Classification: Uncertain significance. Last evaluated: 2022-04-08. Review status: criteria provided, single submitter. Criteria: Invitae Variant Classification Sherloc (09022015). Collection method: clinical testing. Allele origin: germline.
Comment: This variant has not been reported in the literature in individuals affected with AMER1-related conditions. This variant is not present in population databases (gnomAD no frequency). This sequence change replaces glutamic acid, which is acidic and polar, with lysine, which is basic and polar, at codon 138 of the AMER1 protein (p.Glu138Lys). Algorithms developed to predict the effect of missense changes on protein structure and function are either unavailable or do not agree on the potential impact of this missense change (SIFT: "Deleterious"; PolyPhen-2: "Probably Damaging"; Align-GVGD: "Class C0"). In summary, the available evidence is currently insufficient to determine the role of this variant in disease. Therefore, it has been classified as a Variant of Uncertain Significance.